The following is an entry in ClinVar:

ClinVar aggregate classification (germline): Uncertain significance (1 of 4 stars; one submission).

Conditions:
Cardiovascular phenotype. Identifiers: MedGen CN230736.

gnomAD v4.1: 1 of 1,427,416 alleles (0.00007%); highest among the groups gnomAD compares: Non-Finnish European, 0.000094%; no homozygotes.

Submission:

Ambry Genetics
Classification: Uncertain significance for Cardiovascular phenotype. Last evaluated: 2026-03-29. Review status: criteria provided, single submitter. Criteria: Ambry Variant Classification Scheme 2023. Collection method: clinical testing. Allele origin: germline.
Comment: The p.Q934E variant (also known as c.2800C>G), located in coding exon 24 of the RYR2 gene, results from a C to G substitution at nucleotide position 2800. The glutamine at codon 934 is replaced by glutamic acid, an amino acid with highly similar properties. This amino acid position is conserved. In addition, this alteration is predicted to be deleterious by in silico analysis. Based on the available evidence, the clinical significance of this variant remains unclear.

NM_001035.3(RYR2):c.2800C>G (p.Gln934Glu)

Gene: RYR2 (ryanodine receptor 2; plus strand). Cytogenetic location: 1q43.
Variant type: single nucleotide variant.
Coding change: c.2800C>G on transcript NM_001035.3 (MANE Select); coding-DNA position 2800, C replaced by G.
Protein change: p.Gln934Glu; replaces glutamine 934 with glutamic acid.
Molecular consequence: missense variant.
Genome position (GRCh38, 1-based): chr1:237,511,769, C>G. VCF-style: chr1-237511769-C-G. GRCh37 (hg19) VCF-style: chr1-237675069-C-G.
Other names: short protein forms Q934E.
Identifiers: ClinVar variation 4863705 (VCV004863705.1).
Genomic context (GRCh38, chr1:237,511,769, plus strand): 5'-CAACACCCATGCCTGGTGGAGTTCTCCAAGCTGCCTGAACAGGAGCGCAATTACAACTTA[C>G]AAATGTCGCTTGAGACCCTGAAGTGAGTTTCTTAACTTTTTCTATTTTCCAACCTGCCTT-3'
Protein context (NP_001026.2, residues 924-944): LPEQERNYNL[Gln934Glu]MSLETLKTLL